The following is an entry in ClinVar:

ClinVar aggregate classification (germline): Uncertain significance. Review status: criteria provided, multiple submitters, no conflicts (2 of 4 stars). 7 submissions from 7 submitters: Uncertain significance (6). 1 of the submissions does not count toward it. Last evaluated 2024-04-26.

Conditions:
PKHD1-related disorder. Also called: PKHD1-related condition.
Polycystic kidney disease 4 (PKD4). Also called: POLYCYSTIC KIDNEY AND HEPATIC DISEASE 1; POLYCYSTIC KIDNEY DISEASE, INFANTILE, TYPE I; PKD3; Autosomal Recessive Polycystic Kidney Disease – PKHD1; POLYCYSTIC KIDNEY DISEASE 4 WITH OR WITHOUT POLYCYSTIC LIVER DISEASE. Identifiers: MedGen C4540575, MONDO:0033004, OMIM 263200.
Autosomal recessive polycystic kidney disease (ARPKD). Also called: AR polycystic kidney disease. Identifiers: Orphanet 731, Orphanet 8378, MedGen C0085548, MeSH D017044, MONDO:0009889.

Allele frequency attached by ClinVar (database versions not stated): ExAC 0.00001; gnomAD exomes 0.00004 and 0.00012; ESP Exome Variant Server 0.00008; TOPMed 0.00008; gnomAD 0.00010.
gnomAD v4.1: 206 of 1,613,696 alleles (0.013%); highest among the groups gnomAD compares: Non-Finnish European, 0.016%; no homozygotes.

Submissions (7):

Fulgent Genetics
Classification: Uncertain significance for Polycystic kidney disease 4. Last evaluated: 2024-04-26. Review status: criteria provided, single submitter. Criteria: ACMG Guidelines, 2015. Collection method: clinical testing. Allele origin: germline.

Mayo Clinic Laboratories, Mayo Clinic
Classification: Uncertain significance. Last evaluated: 2023-11-27. Review status: criteria provided, single submitter. Criteria: ACMG Guidelines, 2015. Collection method: clinical testing. Allele origin: germline. Observed: 1 variant allele.
Comment: BP4, PM2_moderate

GeneDx
Classification: Uncertain significance. Last evaluated: 2023-01-19. Review status: criteria provided, single submitter. Criteria: GeneDx Variant Classification Process June 2021. Collection method: clinical testing. Allele origin: germline. Affected: yes.
Comment: In silico analysis supports that this missense variant does not alter protein structure/function; Has not been previously published as pathogenic or benign to our knowledge

Labcorp Genetics (formerly Invitae), Labcorp
Classification: Uncertain significance for Autosomal recessive polycystic kidney disease. Last evaluated: 2021-09-01. Review status: criteria provided, single submitter. Criteria: Invitae Variant Classification Sherloc (09022015). Collection method: clinical testing. Allele origin: germline.
Comment: This sequence change replaces glutamic acid with lysine at codon 2001 of the PKHD1 protein (p.Glu2001Lys). The glutamic acid residue is weakly conserved and there is a small physicochemical difference between glutamic acid and lysine. This variant is present in population databases (rs200599637, ExAC 0.001%). This variant has not been reported in the literature in individuals affected with PKHD1-related conditions. ClinVar contains an entry for this variant (Variation ID: 197020). Algorithms developed to predict the effect of missense changes on protein structure and function output the following: SIFT: "Tolerated"; PolyPhen-2: "Benign"; Align-GVGD: "Class C0". The lysine amino acid residue is found in multiple mammalian species, which suggests that this missense change does not adversely affect protein function. In summary, the available evidence is currently insufficient to determine the role of this variant in disease. Therefore, it has been classified as a Variant of Uncertain Significance.

Illumina Laboratory Services, Illumina
Classification: Uncertain significance for Polycystic kidney disease 4. Last evaluated: 2018-01-13. Review status: criteria provided, single submitter. Criteria: ICSL Variant Classification Criteria 13 December 2019. Collection method: clinical testing. Allele origin: germline.

Eurofins Ntd Llc (ga)
Classification: Uncertain significance. Last evaluated: 2014-09-15. Review status: criteria provided, single submitter. Criteria: EGL Classification Definitions 2015. Collection method: clinical testing. Allele origin: germline. Observed: 1 variant allele, 1 heterozygote.

PreventionGenetics, part of Exact Sciences
Classification: Uncertain significance for PKHD1-related condition. Last evaluated: 2024-08-30. Review status: no assertion criteria provided. Collection method: clinical testing. Allele origin: germline. Not counted in ClinVar's aggregate classification.
Comment: The PKHD1 c.6001G>A variant is predicted to result in the amino acid substitution p.Glu2001Lys. This variant was reported in an individual with focal segmental glomerulosclerosis (Table S4, Wang et al 2019. PubMed ID: 31308072). This variant is reported in 0.018% of alleles in individuals of African descent in gnomAD. At this time, the clinical significance of this variant is uncertain due to the absence of conclusive functional and genetic evidence.

Literature cited by the submitters: PubMed 31308072 (cited by Mayo Clinic Laboratories, Mayo Clinic).

NM_138694.4(PKHD1):c.6001G>A (p.Glu2001Lys)

Gene: PKHD1 (PKHD1 ciliary IPT domain containing fibrocystin/polyductin; minus strand). Cytogenetic location: 6p12.2.
Variant type: single nucleotide variant.
Coding change: c.6001G>A on transcript NM_138694.4 (MANE Select); coding-DNA position 6001, G replaced by A.
Protein change: p.Glu2001Lys; replaces glutamic acid 2001 with lysine.
Molecular consequence: missense variant.
Genome position (GRCh38, 1-based): chr6:51,934,230, C>T on the plus strand (G>A on the coding strand, the complement: PKHD1 is on the minus strand). VCF-style: chr6-51934230-C-T. GRCh37 (hg19) VCF-style: chr6-51799028-C-T.
Other names: p.Glu2001Lys; c.6001G>A, p.Glu2001Lys (NM_170724.3); short protein forms E2001K.
Identifiers: ClinVar variation 197020 (VCV000197020.15), dbSNP rs200599637, ClinGen allele CA244910.